The following is an entry in ClinVar:

NM_006231.4(POLE):c.4370G>T (p.Gly1457Val)

Gene: POLE (DNA polymerase epsilon, catalytic subunit; minus strand). Cytogenetic location: 12q24.33.
Variant type: single nucleotide variant.
Coding change: c.4370G>T on transcript NM_006231.4 (MANE Select); coding-DNA position 4370, G replaced by T.
Protein change: p.Gly1457Val; replaces glycine 1457 with valine.
Molecular consequence: missense variant.
Genome position (GRCh38, 1-based): chr12:132,643,481, C>A on the plus strand (G>T on the coding strand, the complement: POLE is on the minus strand). VCF-style: chr12-132643481-C-A. GRCh37 (hg19) VCF-style: chr12-133220067-C-A.
Other names: short protein forms G1457V.
Identifiers: ClinVar variation 405685 (VCV000405685.22), dbSNP rs776534749, ClinGen allele CA6892873.

ClinVar aggregate classification (germline): Conflicting classifications of pathogenicity. Review status: criteria provided, conflicting classifications (1 of 4 stars). 5 submissions from 5 submitters: Uncertain significance (3); Likely benign (2). Last evaluated 2026-01-31.

Conditions:
Hereditary cancer-predisposing syndrome. Also called: Hereditary Cancer Syndrome; Hereditary neoplastic syndrome; Neoplastic Syndromes, Hereditary; Tumor predisposition. Identifiers: Orphanet 140162, MedGen C0027672, MeSH D009386, MONDO:0015356.

Allele frequency attached by ClinVar (database versions not stated): gnomAD exomes 0.00003 and 0.00013; ExAC 0.00008; TOPMed 0.00009; gnomAD 0.00011 and 0.00012.
gnomAD v4.1: 60 of 1,614,220 alleles (0.0037%); highest among the groups gnomAD compares: Admixed American, 0.07%; 1 homozygote.

Submissions (5):

Labcorp Genetics (formerly Invitae), Labcorp
Classification: Uncertain significance. Last evaluated: 2026-01-31. Review status: criteria provided, single submitter. Criteria: Invitae Variant Classification Sherloc (09022015). Collection method: clinical testing. Allele origin: germline.
Comment: This sequence change replaces glycine, which is neutral and non-polar, with valine, which is neutral and non-polar, at codon 1457 of the POLE protein (p.Gly1457Val). This variant is present in population databases (rs776534749, gnomAD 0.07%). This variant has not been reported in the literature in individuals affected with POLE-related conditions. ClinVar contains an entry for this variant (Variation ID: 405685). Invitae Evidence Modeling of protein sequence and biophysical properties (such as structural, functional, and spatial information, amino acid conservation, physicochemical variation, residue mobility, and thermodynamic stability) indicates that this missense variant is not expected to disrupt POLE protein function with a negative predictive value of 80%. In summary, the available evidence is currently insufficient to determine the role of this variant in disease. Therefore, it has been classified as a Variant of Uncertain Significance.

GeneDx
Classification: Uncertain significance. Last evaluated: 2025-06-11. Review status: criteria provided, single submitter. Criteria: GeneDx Variant Classification Process June 2021. Collection method: clinical testing. Allele origin: germline. Affected: yes.
Comment: In silico analysis suggests that this missense variant does not alter protein structure/function; Observed in individuals with hereditary breast/ovarian or colorectal cancer (PMID: 32522261); This variant is associated with the following publications: (PMID: 32522261)

ARUP Laboratories, Molecular Genetics and Genomics, ARUP Laboratories
Classification: Uncertain significance. Last evaluated: 2025-06-10. Review status: criteria provided, single submitter. Criteria: ARUP Molecular Germline Variant Investigation Process 2024. Collection method: clinical testing. Allele origin: germline.
Comment: The POLE c.4370G>T; p.Gly1457Val variant (rs776534749, ClinVar Variation ID: 405685) is reported in the literature in two individuals affected with either breast, ovarian or colorectal cancer (Velasquez). This variant is found in the general population with an overall allele frequency of 0.012% (32/251478 alleles) in the Genome Aggregation Database (v2.1.1). Computational analyses are uncertain whether this variant is neutral or deleterious (REVEL: 0.239). This variant is not located in the exonuclease domain (Palles 2013), and gene-disease association has not been established for variants outside of the exonuclease domain (Seifert 2019). Due to limited information, the clinical significance of this variant is uncertain at this time. References: Palles C et al. Germline mutations affecting the proofreading domains of POLE and POLD1 predispose to colorectal adenomas and carcinomas. Nat Genet. 2013 Feb;45(2):136-44. PMID: 23263490. Seifert BA et al. Determining the clinical validity of hereditary colorectal cancer and polyposis susceptibility genes using the Clinical Genome Resource Clinical Validity Framework. Genet Med. 2019 Jul;21(7):1507-1516. PMID: 30523343. Velazquez C et al. A comprehensive custom panel evaluation for routine hereditary cancer testing: improving the yield of germline mutation detection. J Transl Med. 2020 Jun 10;18(1):232. PMID: 32522261.

Ambry Genetics
Classification: Likely benign for Hereditary cancer-predisposing syndrome. Last evaluated: 2024-02-27. Review status: criteria provided, single submitter. Criteria: Ambry Variant Classification Scheme 2023. Collection method: clinical testing. Allele origin: germline.

Women's Health and Genetics/Laboratory Corporation of America, LabCorp
Classification: Likely benign. Last evaluated: 2017-09-12. Review status: criteria provided, single submitter. Criteria: LabCorp Variant Classification Summary - May 2015. Collection method: clinical testing. Allele origin: germline.
Comment: Variant summary: The POLE c.4370G>T (p.Gly1457Val) variant involves the alteration of a conserved nucleotide and 3/5 in silico tools predict a benign outcome for this variant. However, these predictions have yet to be functionally assessed. This variant was found in 31/246270 control chromosomes, predominantly observed in the Latino subpopulation at a frequency of 0.000685 (23/33582). This frequency is about 48 times the estimated maximal expected allele frequency of a pathogenic POLE variant (0.0000142), suggesting this is likely a benign polymorphism found primarily in the populations of Latino origin. Multiple clinical diagnostic laboratories classified this variant as uncertain significance, prior to incorporation of gnomAD data. The variant of interest has not, to our knowledge, been reported in affected individuals via publications. Taken together, this variant is classified as likely benign.